The following is an entry in ClinVar:

ClinVar aggregate classification (germline): Uncertain significance (1 of 4 stars; one submission).

Conditions:
EGFR-related lung cancer (EGFR). Identifiers: MedGen CN130014.

Submission:

Labcorp Genetics (formerly Invitae), Labcorp
Classification: Uncertain significance for EGFR-related lung cancer. Last evaluated: 2022-10-16. Review status: criteria provided, single submitter. Criteria: Invitae Variant Classification Sherloc (09022015). Collection method: clinical testing. Allele origin: germline.
Comment: This variant is not present in population databases (gnomAD no frequency). This sequence change replaces isoleucine, which is neutral and non-polar, with leucine, which is neutral and non-polar, at codon 475 of the EGFR protein (p.Ile475Leu). In summary, the available evidence is currently insufficient to determine the role of this variant in disease. Therefore, it has been classified as a Variant of Uncertain Significance. Advanced modeling of protein sequence and biophysical properties (such as structural, functional, and spatial information, amino acid conservation, physicochemical variation, residue mobility, and thermodynamic stability) performed at Invitae indicates that this missense variant is not expected to disrupt EGFR protein function. This variant has not been reported in the literature in individuals affected with EGFR-related conditions.

NM_005228.5(EGFR):c.1423A>T (p.Ile475Leu)

Gene: EGFR (epidermal growth factor receptor; plus strand). Cytogenetic location: 7p11.2.
Variant type: single nucleotide variant.
Coding change: c.1423A>T on transcript NM_005228.5 (MANE Select); coding-DNA position 1423, A replaced by T.
Protein change: p.Ile475Leu; replaces isoleucine 475 with leucine.
Molecular consequence: missense variant.
Genome position (GRCh38, 1-based): chr7:55,160,263, A>T. VCF-style: chr7-55160263-A-T. GRCh37 (hg19) VCF-style: chr7-55227956-A-T.
Other names: c.1288A>T, p.Ile430Leu (NM_001346897.2, NM_001346899.2); c.1423A>T, p.Ile475Leu (NM_001346898.2, NM_201282.2, NM_201284.2); c.1264A>T, p.Ile422Leu (NM_001346900.2); c.622A>T, p.Ile208Leu (NM_001346941.2); short protein forms I430L, I422L, I475L, I208L.
Identifiers: ClinVar variation 1932090 (VCV001932090.5), dbSNP rs1221992080, ClinGen allele CA367579577.